The following is an entry in ClinVar:

ClinVar aggregate classification (germline): Uncertain significance. Review status: criteria provided, multiple submitters, no conflicts (2 of 4 stars). 4 submissions from 4 submitters: Uncertain significance (4). Last evaluated 2025-08-22.

Conditions:
Autosomal recessive nonsyndromic hearing loss 91. Identifiers: Orphanet 90636, MedGen C3150704, MONDO:0013269, OMIM 613453.

Allele frequency attached by ClinVar (database versions not stated): gnomAD 0.00006 and 0.00007; gnomAD exomes 0.00003 and 0.00005; TOPMed 0.00003; ExAC 0.00004.
gnomAD v4.1: 93 of 1,613,962 alleles (0.0058%); highest among the groups gnomAD compares: East Asian, 0.022%; no homozygotes.

Submissions (4):

GeneDx
Classification: Uncertain significance. Last evaluated: 2025-08-22. Review status: criteria provided, single submitter. Criteria: GeneDx Variant Classification Process June 2021. Collection method: clinical testing. Allele origin: germline. Affected: yes.
Comment: In silico analysis suggests that this missense variant does not alter protein structure/function; Has not been previously published as pathogenic or benign to our knowledge

Ambry Genetics
Classification: Uncertain significance. Last evaluated: 2024-04-22. Review status: criteria provided, single submitter. Criteria: Ambry Variant Classification Scheme 2023. Collection method: clinical testing. Allele origin: germline.

Labcorp Genetics (formerly Invitae), Labcorp
Classification: Uncertain significance. Last evaluated: 2022-06-02. Review status: criteria provided, single submitter. Criteria: Invitae Variant Classification Sherloc (09022015). Collection method: clinical testing. Allele origin: germline.
Comment: This sequence change replaces glycine, which is neutral and non-polar, with arginine, which is basic and polar, at codon 366 of the SERPINB6 protein (p.Gly366Arg). This variant is present in population databases (rs765798757, gnomAD 0.01%). In summary, the available evidence is currently insufficient to determine the role of this variant in disease. Therefore, it has been classified as a Variant of Uncertain Significance. Algorithms developed to predict the effect of missense changes on protein structure and function are either unavailable or do not agree on the potential impact of this missense change (SIFT: "Tolerated"; PolyPhen-2: "Possibly Damaging"; Align-GVGD: "Class C0"). ClinVar contains an entry for this variant (Variation ID: 1678710). This variant has not been reported in the literature in individuals affected with SERPINB6-related conditions.

Fulgent Genetics
Classification: Uncertain significance for Autosomal recessive nonsyndromic hearing loss 91. Last evaluated: 2021-07-08. Review status: criteria provided, single submitter. Criteria: ACMG Guidelines, 2015. Collection method: clinical testing. Allele origin: unknown.

NM_004568.6(SERPINB6):c.1096G>A (p.Gly366Arg)

Gene: SERPINB6 (serpin family B member 6; minus strand). Cytogenetic location: 6p25.2.
Variant type: single nucleotide variant.
Coding change: c.1096G>A on transcript NM_004568.6 (MANE Select); coding-DNA position 1096, G replaced by A.
Protein change: p.Gly366Arg; replaces glycine 366 with arginine.
Molecular consequence: missense variant. On other transcripts: non-coding transcript variant (1).
Genome position (GRCh38, 1-based): chr6:2,948,333, C>T on the plus strand (G>A on the coding strand, the complement: SERPINB6 is on the minus strand). VCF-style: chr6-2948333-C-T. GRCh37 (hg19) VCF-style: chr6-2948567-C-T.
Other names: c.1108G>A, p.Gly370Arg (NM_001195291.3, NM_001374515.1); c.1138G>A, p.Gly380Arg (NM_001271822.2); c.1153G>A, p.Gly385Arg (NM_001271823.2); c.1096G>A, p.Gly366Arg (NM_001271824.2, NM_001271825.2, NM_001297699.2 and 2 more transcripts); c.964G>A, p.Gly322Arg (NM_001374517.1); short protein forms G322R, G366R, G370R, G380R, G385R.
Identifiers: ClinVar variation 1678710 (VCV001678710.9), dbSNP rs765798757, ClinGen allele CA3617353.